The following is an entry in ClinVar:

NM_174934.4(SCN4B):c.632C>T (p.Thr211Met)

Gene: SCN4B (sodium voltage-gated channel beta subunit 4; minus strand). Cytogenetic location: 11q23.3.
Variant type: single nucleotide variant.
Coding change: c.632C>T on transcript NM_174934.4 (MANE Select); coding-DNA position 632, C replaced by T.
Protein change: p.Thr211Met; replaces threonine 211 with methionine.
Molecular consequence: missense variant. On other transcripts: non-coding transcript variant (1).
Genome position (GRCh38, 1-based): chr11:118,137,082, G>A on the plus strand (C>T on the coding strand, the complement: SCN4B is on the minus strand). VCF-style: chr11-118137082-G-A. GRCh37 (hg19) VCF-style: chr11-118007797-G-A.
Other names: c.230C>T, p.Thr77Met (NM_001142348.2); c.302C>T, p.Thr101Met (NM_001142349.2); short protein forms T101M, T211M, T77M.
Identifiers: ClinVar variation 1214344 (VCV001214344.10), dbSNP rs201454653, ClinGen allele CA6300129.

ClinVar aggregate classification (germline): Uncertain significance. Review status: criteria provided, multiple submitters, no conflicts (2 of 4 stars). 3 submissions from 3 submitters: Uncertain significance (3). Last evaluated 2025-10-03.

Conditions:
Cardiovascular phenotype. Identifiers: MedGen CN230736.
Long QT syndrome 10 (LQT10). Identifiers: Orphanet 101016, Orphanet 768, MedGen C2678484, MONDO:0012737, OMIM 611819.

Allele frequency attached by ClinVar (database versions not stated): ESP Exome Variant Server 0.00008.

Submissions (3):

Labcorp Genetics (formerly Invitae), Labcorp
Classification: Uncertain significance for Long QT syndrome 10. Last evaluated: 2025-10-03. Review status: criteria provided, single submitter. Criteria: Invitae Variant Classification Sherloc (09022015). Collection method: clinical testing. Allele origin: germline.
Comment: This sequence change replaces threonine, which is neutral and polar, with methionine, which is neutral and non-polar, at codon 211 of the SCN4B protein (p.Thr211Met). This variant is present in population databases (rs201454653, gnomAD 0.01%). This variant has not been reported in the literature in individuals affected with SCN4B-related conditions. ClinVar contains an entry for this variant (Variation ID: 1214344). An algorithm developed to predict the effect of missense changes on protein structure and function (PolyPhen-2) suggests that this variant is likely to be disruptive. In summary, the available evidence is currently insufficient to determine the role of this variant in disease. Therefore, it has been classified as a Variant of Uncertain Significance.

Ambry Genetics
Classification: Uncertain significance for Cardiovascular phenotype. Last evaluated: 2024-03-08. Review status: criteria provided, single submitter. Criteria: Ambry Variant Classification Scheme 2023. Collection method: clinical testing. Allele origin: germline.
Comment: The p.T211M variant (also known as c.632C>T), located in coding exon 5 of the SCN4B gene, results from a C to T substitution at nucleotide position 632. The threonine at codon 211 is replaced by methionine, an amino acid with similar properties. This amino acid position is highly conserved in available vertebrate species. In addition, this alteration is predicted to be deleterious by in silico analysis. The evidence for this gene-disease relationship is limited; therefore, the clinical significance of this alteration is unclear.

GeneDx
Classification: Uncertain significance. Last evaluated: 2019-10-17. Review status: criteria provided, single submitter. Criteria: GeneDx Variant Classification Process June 2021. Collection method: clinical testing. Allele origin: germline. Affected: yes.
Comment: Not observed at a significant frequency in large population cohorts (Lek et al., 2016); In silico analysis, which includes protein predictors and evolutionary conservation, supports a deleterious effect; Has not been previously published as pathogenic or benign to our knowledge